The following is an entry in ClinVar:

NM_024426.6(WT1):c.269C>G (p.Ser90Cys)

Genes: WT1 (WT1 transcription factor; minus strand), LOC107982234 (WT1/WT1-AS bi-directional promoter region; plus strand). Cytogenetic location: 11p13.
Variant type: single nucleotide variant.
Coding change: c.269C>G on transcript NM_024426.6 (MANE Select); coding-DNA position 269, C replaced by G.
Protein change: p.Ser90Cys; replaces serine 90 with cysteine.
Molecular consequence: missense variant. On other transcripts: non-coding transcript variant (2).
Genome position (GRCh38, 1-based): chr11:32,435,092, G>C on the plus strand (C>G on the coding strand, the complement: WT1 is on the minus strand). VCF-style: chr11-32435092-G-C. GRCh37 (hg19) VCF-style: chr11-32456638-G-C.
Other names: c.50C>G, p.Ser17Cys (NM_001429032.1, NM_001429033.1, NM_001429034.1 and 1 more transcripts); c.269C>G, p.Ser90Cys (NM_024424.5, NM_000378.6, NM_001407044.1 and 6 more transcripts); short protein forms S17C, S85C, S90C.
Identifiers: ClinVar variation 4843813 (VCV004843813.1).
Genomic context (GRCh38, chr11:32,435,092, plus strand): 5'-ACCGGCGCCCACTGCGCCGCGCCGCTCACAGGCAGGGCACAGCCGCCGCCGCCACCCAGG[G>C]AGGGGACGGCGGGCAGCAGCGCGTTCAGGTCCCGCACGTCGGAGCCCATTTGCTGCGGCT-3'
Protein context (NP_077744.4, residues 80-100): DLNALLPAVP[Ser90Cys]LGGGGGCALP

ClinVar aggregate classification (germline): Uncertain significance (1 of 4 stars; one submission).

Conditions:
Inborn genetic diseases. Identifiers: MedGen C0950123, MeSH D030342.

Submission:

Ambry Genetics
Classification: Uncertain significance for Inborn genetic diseases. Last evaluated: 2026-01-14. Review status: criteria provided, single submitter. Criteria: Ambry Variant Classification Scheme 2023. Collection method: clinical testing. Allele origin: germline.
Comment: The p.S85C variant (also known as c.254C>G), located in coding exon 1 of the WT1 gene, results from a C to G substitution at nucleotide position 254. The serine at codon 85 is replaced by cysteine, an amino acid with dissimilar properties. This amino acid position is conserved. In addition, the in silico prediction for this alteration is inconclusive. Based on the available evidence, the clinical significance of this variant remains unclear.